The following is an entry in ClinVar:

NM_005996.4(TBX3):c.1966G>A (p.Ala656Thr)

Gene: TBX3 (T-box transcription factor 3; minus strand). Cytogenetic location: 12q24.21.
Variant type: single nucleotide variant.
Coding change: c.1966G>A on transcript NM_005996.4 (MANE Select); coding-DNA position 1966, G replaced by A.
Protein change: p.Ala656Thr; replaces alanine 656 with threonine.
Molecular consequence: missense variant.
Genome position (GRCh38, 1-based): chr12:114,672,047, C>T on the plus strand (G>A on the coding strand, the complement: TBX3 is on the minus strand). VCF-style: chr12-114672047-C-T. GRCh37 (hg19) VCF-style: chr12-115109852-C-T.
Other names: c.2026G>A, p.Ala676Thr (NM_016569.4); short protein forms A656T, A676T.
Identifiers: ClinVar variation 3645843 (VCV003645843.2).

ClinVar aggregate classification (germline): Uncertain significance (1 of 4 stars; one submission).

Conditions:
Ulnar-mammary syndrome (UMS). Also called: SCHINZEL SYNDROME; Ulnar-mammary syndrome of Pallister; PALLISTER ULNAR-MAMMARY SYNDROME. Identifiers: Orphanet 3138, MedGen C1866994, MONDO:0008411, OMIM 181450.

gnomAD v4.1: 2 of 1,578,168 alleles (0.00013%); highest among the groups gnomAD compares: East Asian, 0.0023%; no homozygotes.

Submission:

Labcorp Genetics (formerly Invitae), Labcorp
Classification: Uncertain significance for Ulnar-mammary syndrome. Last evaluated: 2024-03-20. Review status: criteria provided, single submitter. Criteria: Invitae Variant Classification Sherloc (09022015). Collection method: clinical testing. Allele origin: germline.
Comment: This sequence change replaces alanine, which is neutral and non-polar, with threonine, which is neutral and polar, at codon 656 of the TBX3 protein (p.Ala656Thr). This variant is present in population databases (no rsID available, gnomAD 0.007%). This variant has not been reported in the literature in individuals affected with TBX3-related conditions. Algorithms developed to predict the effect of missense changes on protein structure and function output the following: SIFT: "Not Available"; PolyPhen-2: "Benign"; Align-GVGD: "Not Available". The threonine amino acid residue is found in multiple mammalian species, which suggests that this missense change does not adversely affect protein function. In summary, the available evidence is currently insufficient to determine the role of this variant in disease. Therefore, it has been classified as a Variant of Uncertain Significance.